The following is an entry in ClinVar:

ClinVar aggregate classification (germline): Uncertain significance. Review status: criteria provided, multiple submitters, no conflicts (2 of 4 stars). 4 submissions from 4 submitters: Uncertain significance (3). 1 of the submissions does not count toward it. Last evaluated 2026-01-08.

Conditions:
Alzheimer disease type 1 (AD1). Also called: ALZHEIMER DISEASE, FAMILIAL, 1; ALZHEIMER DISEASE, FAMILIAL, 1, AUTOSOMAL RECESSIVE. Identifiers: MedGen C1863052, MONDO:0007088, OMIM 104300.
Cerebral amyloid angiopathy, APP-related. Also called: AMYLOIDOSIS, CEREBROARTERIAL, APP-RELATED; Cerebral amyloid angiopathy, Dutch, Italian, Iowa, Flemish, Arctic variants. Identifiers: Orphanet 100006, Orphanet 324703, Orphanet 324708, Orphanet 324713, Orphanet 324718, Orphanet 324723, Orphanet 85458, MedGen C2751536, MONDO:0011583, OMIM 605714.
Alzheimer disease. Also called: Presenile and senile dementia; Alzheimer's disease. Identifiers: Orphanet 1020, MedGen C0002395, MeSH D000544, MONDO:0004975, HP:0002511.

Allele frequency attached by ClinVar (database versions not stated): gnomAD exomes 0.00003; gnomAD 0.00005; TOPMed 0.00005.
gnomAD v4.1: 111 of 1,538,520 alleles (0.0072%); highest among the groups gnomAD compares: Non-Finnish European, 0.0091%; no homozygotes.

Submissions (4):

Labcorp Genetics (formerly Invitae), Labcorp
Classification: Uncertain significance for Alzheimer disease. Last evaluated: 2026-01-08. Review status: criteria provided, single submitter. Criteria: Invitae Variant Classification Sherloc (09022015). Collection method: clinical testing. Allele origin: germline.
Comment: This sequence change replaces arginine, which is basic and polar, with glutamine, which is neutral and polar, at codon 16 of the APP protein (p.Arg16Gln). The frequency data for this variant in the population databases is considered unreliable, as metrics indicate poor data quality at this position in the gnomAD database. This missense change has been observed in individual(s) with clinical features of early-onset Alzheimer disease (PMID: 30279455). ClinVar contains an entry for this variant (Variation ID: 894989). Invitae Evidence Modeling of protein sequence and biophysical properties (such as structural, functional, and spatial information, amino acid conservation, physicochemical variation, residue mobility, and thermodynamic stability) indicates that this missense variant is not expected to disrupt APP protein function with a negative predictive value of 95%. In summary, the available evidence is currently insufficient to determine the role of this variant in disease. Therefore, it has been classified as a Variant of Uncertain Significance.

Fulgent Genetics
Classification: Uncertain significance for Alzheimer disease type 1; Cerebral amyloid angiopathy, APP-related. Last evaluated: 2021-08-12. Review status: criteria provided, single submitter. Criteria: ACMG Guidelines, 2015. Collection method: clinical testing. Allele origin: unknown.

Illumina Laboratory Services, Illumina
Classification: Uncertain significance for Alzheimer disease type 1. Last evaluated: 2018-01-12. Review status: criteria provided, single submitter. Criteria: ICSL Variant Classification Criteria 13 December 2019. Collection method: clinical testing. Allele origin: germline.

Department of Pathology and Laboratory Medicine, Sinai Health System
Classification: Uncertain significance. Review status: no assertion criteria provided. Collection method: clinical testing. Allele origin: unknown. Affected: yes. Study: The Canadian Open Genetics Repository (COGR). Not counted in ClinVar's aggregate classification.
Comment: The APP p.Arg16Gln variant was not identified in the literature nor was it identified in ClinVar. The variant was identified in dbSNP (ID: rs955517095) and LOVD 3.0 (effect unknown). The variant was identified in control databases in 5 of 166716 chromosomes at a frequency of 0.00002999 (Genome Aggregation Database March 6, 2019, v2.1.1). The variant was observed in the following populations: European (non-Finnish) in 4 of 67358 chromosomes (freq: 0.000059) and Latino in 1 of 25282 chromosomes (freq: 0.00004), but was not observed in the African, Ashkenazi Jewish, East Asian, European (Finnish), Other, or South Asian populations. The p.Arg16 residue is conserved in mammals but not in more distantly related organisms however computational analyses (PolyPhen-2, SIFT, AlignGVGD, BLOSUM, MutationTaster) do not suggest a high likelihood of impact to the protein; this information is not predictive enough to rule out pathogenicity. The variant occurs outside of the splicing consensus sequence and three of four in silico or computational prediction software programs (SpliceSiteFinder, MaxEntScan, NNSPLICE, GeneSplicer) do not predict a difference in splicing. In summary, based on the above information the clinical significance of this variant cannot be determined with certainty at this time. This variant is classified as a variant of uncertain significance.

Literature cited by the submitters: PubMed 30279455 (cited by Labcorp Genetics (formerly Invitae), Labcorp).

NM_000484.4(APP):c.47G>A (p.Arg16Gln)

Gene: APP (amyloid beta precursor protein; minus strand). Cytogenetic location: 21q21.3.
Variant type: single nucleotide variant.
Coding change: c.47G>A on transcript NM_000484.4 (MANE Select); coding-DNA position 47, G replaced by A.
Protein change: p.Arg16Gln; replaces arginine 16 with glutamine.
Molecular consequence: missense variant. On other transcripts: intron variant (1).
Genome position (GRCh38, 1-based): chr21:26,170,574, C>T on the plus strand (G>A on the coding strand, the complement: APP is on the minus strand). VCF-style: chr21-26170574-C-T. GRCh37 (hg19) VCF-style: chr21-27542892-C-T.
Other names: c.47G>A, p.Arg16Gln (NM_001136129.3, NM_001136130.3, NM_001204301.2 and 5 more transcripts); c.-49+411G>A (NM_001136131.3); short protein forms R16Q.
Identifiers: ClinVar variation 894989 (VCV000894989.13), dbSNP rs955517095, ClinGen allele CA319572175.